The following is an entry in ClinVar:

NM_000368.5(TSC1):c.509-14G>T

Gene: TSC1 (TSC complex subunit 1; minus strand). Cytogenetic location: 9q34.13.
Variant type: single nucleotide variant.
Coding change: c.509-14G>T on transcript NM_000368.5 (MANE Select); 14 bases into the intron before coding-DNA position 509, G replaced by T.
Molecular consequence: intron variant.
Genome position (GRCh38, 1-based): chr9:132,921,987, C>A on the plus strand (G>T on the coding strand, the complement: TSC1 is on the minus strand). VCF-style: chr9-132921987-C-A. GRCh37 (hg19) VCF-style: chr9-135797374-C-A.
Other names: c.146-14G>T (NM_001362177.2); c.356-14G>T (NM_001162427.2); c.509-14G>T (NM_001162426.2).
Identifiers: ClinVar variation 1568008 (VCV001568008.10), dbSNP rs984165284, ClinGen allele CA200901215.
Genomic context (GRCh38, chr9:132,921,987, plus strand): 5'-GTACACACTGGCATGGAGATGGACGAGATAGACTTCCGCCACGTGGCCTAGAAAAGGAAC[C>A]CGTTGAGAAGAGCCTCTTAGTTGGAGACAGATTGAGGAGTGCAAAACAGCTATAAACAAG-3'

ClinVar aggregate classification (germline): Likely benign. Review status: criteria provided, multiple submitters, no conflicts (2 of 4 stars). 4 submissions from 4 submitters: Likely benign (4). Last evaluated 2026-01-19.

Conditions:
Tuberous sclerosis syndrome (TSC). Also called: Tuberous sclerosis; Tuberous Sclerosis Complex. Identifiers: Orphanet 805, MedGen C0041341, MONDO:0001734.
Tuberous sclerosis 1 (TSC1). Identifiers: Orphanet 805, MedGen C1854465, MONDO:0008612, OMIM 191100.

Allele frequency attached by ClinVar (database versions not stated): TOPMed 0.00001.
gnomAD v4.1: 9 of 1,613,976 alleles (0.00056%); highest among the groups gnomAD compares: Non-Finnish European, 0.00076%; no homozygotes.

Submissions (4):

Labcorp Genetics (formerly Invitae), Labcorp
Classification: Likely benign for Tuberous sclerosis 1. Last evaluated: 2026-01-19. Review status: criteria provided, single submitter. Criteria: Invitae Variant Classification Sherloc (09022015). Collection method: clinical testing. Allele origin: germline.

Myriad Genetics, Inc.
Classification: Likely benign for Tuberous sclerosis 1. Last evaluated: 2025-04-08. Review status: criteria provided, single submitter. Criteria: Myriad Autosomal Dominant, Autosomal Recessive and X-Linked Classification Criteria (2023). Collection method: clinical testing. Allele origin: unknown.
Comment: This variant is considered likely benign. This variant is intronic and is not expected to impact mRNA splicing.

All of Us Research Program, National Institutes of Health
Classification: Likely benign for Tuberous sclerosis syndrome. Last evaluated: 2023-12-13. Review status: criteria provided, single submitter. Criteria: ACMG Guidelines, 2015. Collection method: clinical testing. Allele origin: germline. Inheritance: Autosomal dominant inheritance. Observed: 12 variant alleles, 12 heterozygotes.
Comment: This study involves interpretation of variants in research participants for the purpose of population health screening. Participant phenotype was not available at the time of variant classification. Additional details can be found in publication PMID: 35346344, PMCID: PMC8962531

Color Diagnostics, LLC DBA Color Health
Classification: Likely benign for Tuberous sclerosis syndrome. Last evaluated: 2023-04-05. Review status: criteria provided, single submitter. Criteria: ACMG Guidelines, 2015. Collection method: clinical testing. Allele origin: germline.